The following is an entry in ClinVar:

ClinVar aggregate classification (germline): Uncertain significance. Review status: criteria provided, multiple submitters, no conflicts (2 of 4 stars). 2 submissions from 2 submitters: Uncertain significance (2). Last evaluated 2025-09-02.

Conditions:
Early-infantile DEE. Also called: Early infantile epileptic encephalopathy with suppression bursts; Early infantile epileptic encephalopathy; Ohtahara syndrome. Identifiers: Orphanet 1934, MedGen C0393706, MONDO:0800491.

Submissions (2):

Labcorp Genetics (formerly Invitae), Labcorp
Classification: Uncertain significance for Early-infantile DEE. Last evaluated: 2025-09-02. Review status: criteria provided, single submitter. Criteria: Invitae Variant Classification Sherloc (09022015). Collection method: clinical testing. Allele origin: germline.
Comment: This sequence change falls in intron 15 of the KCNQ2 gene. It does not directly change the encoded amino acid sequence of the KCNQ2 protein. It affects a nucleotide within the consensus splice site. This variant is not present in population databases (gnomAD no frequency). This variant has not been reported in the literature in individuals affected with KCNQ2-related conditions. ClinVar contains an entry for this variant (Variation ID: 649581). Variants that disrupt the consensus splice site are a relatively common cause of aberrant splicing (PMID: 17576681, 9536098). Algorithms developed to predict the effect of sequence changes on RNA splicing suggest that this variant may disrupt the consensus splice site. In summary, the available evidence is currently insufficient to determine the role of this variant in disease. Therefore, it has been classified as a Variant of Uncertain Significance.

GeneDx
Classification: Uncertain significance. Last evaluated: 2024-06-04. Review status: criteria provided, single submitter. Criteria: GeneDx Variant Classification Process June 2021. Collection method: clinical testing. Allele origin: germline. Affected: yes.
Comment: Not observed at significant frequency in large population cohorts (gnomAD); In silico analysis supports a deleterious effect on splicing; Has not been previously published as pathogenic or benign to our knowledge

Literature cited by the submitters: PubMed 17576681 (cited by Labcorp Genetics (formerly Invitae), Labcorp); PubMed 9536098 (cited by Labcorp Genetics (formerly Invitae), Labcorp).

NM_172107.4(KCNQ2):c.1763+3A>G

Gene: KCNQ2 (potassium voltage-gated channel subfamily Q member 2; minus strand). Cytogenetic location: 20q13.33.
Variant type: single nucleotide variant.
Coding change: c.1763+3A>G on transcript NM_172107.4 (MANE Select); 3 bases into the intron after coding-DNA position 1763, A replaced by G.
Molecular consequence: intron variant.
Genome position (GRCh38, 1-based): chr20:63,413,447, T>C on the plus strand (A>G on the coding strand, the complement: KCNQ2 is on the minus strand). VCF-style: chr20-63413447-T-C. GRCh37 (hg19) VCF-style: chr20-62044800-T-C.
Other names: c.1679+3A>G (NM_004518.6); c.1670+3A>G (NM_172108.5); c.1709+3A>G (NM_172106.3).
Identifiers: ClinVar variation 649581 (VCV000649581.10), dbSNP rs1601566237, ClinGen allele CA409643234.